The following is an entry in ClinVar:

NM_022491.3(SUDS3):c.9C>T (p.Ala3=)

Gene: SUDS3 (SIN3A corepressor complex component SDS3; plus strand). Cytogenetic location: 12q24.23.
Variant type: single nucleotide variant.
Coding change: c.9C>T on transcript NM_022491.3 (MANE Select); coding-DNA position 9, C replaced by T.
Protein change: p.Ala3=; no amino-acid change (alanine 3 retained).
Molecular consequence: synonymous variant.
Genome position (GRCh38, 1-based): chr12:118,376,700, C>T. VCF-style: chr12-118376700-C-T. GRCh37 (hg19) VCF-style: chr12-118814505-C-T.
Identifiers: ClinVar variation 2643381 (VCV002643381.24), dbSNP rs754698455, ClinGen allele CA6818516.
Genomic context (GRCh38, chr12:118,376,700, plus strand): 5'-CGCGGGTGGCCGCGGTGTCCGTGGGCCACGCTCAGCTGCGGTCAGAGGCGACATGAGTGC[C>T]GCGGGGCTGCTGGCCCCGGCCCCGGCCCAGGCTGGAGCGCCGCCGGCCCCCGAGTACTAC-3'
Protein context (NP_071936.2, residues 1-13): MS[Ala3=]AGLLAPAPAQ

ClinVar aggregate classification (germline): Likely benign (1 of 4 stars; one submission).

Allele frequency attached by ClinVar (database versions not stated): gnomAD 0.00014; 1000 Genomes Project 30x 0.00016.

Submission:

CeGaT Center for Human Genetics Tuebingen
Classification: Likely benign. Last evaluated: 2023-04-01. Review status: criteria provided, single submitter. Criteria: CeGaT Center For Human Genetics Tuebingen Variant Classification Criteria Version 2. Collection method: clinical testing. Allele origin: germline. Affected: yes. Observed: 1 variant allele.
Comment: SUDS3: BP4, BP7